The following is an entry in ClinVar:

NM_004385.5(VCAN):c.6164A>G (p.Asp2055Gly)

Genes: VCAN (versican; plus strand), VCAN-AS1 (VCAN antisense RNA 1; minus strand). Cytogenetic location: 5q14.3.
Variant type: single nucleotide variant.
Coding change: c.6164A>G on transcript NM_004385.5 (MANE Select); coding-DNA position 6164, A replaced by G.
Protein change: p.Asp2055Gly; replaces aspartic acid 2055 with glycine.
Molecular consequence: missense variant. On other transcripts: intron variant (2).
Genome position (GRCh38, 1-based): chr5:83,539,167, A>G. VCF-style: chr5-83539167-A-G. GRCh37 (hg19) VCF-style: chr5-82834986-A-G.
Other names: c.3203A>G, p.Asp1068Gly (NM_001164097.2); c.4004-6370A>G (NM_001164098.2); c.1043-6370A>G (NM_001126336.3); short protein forms D2055G, D1068G.
Identifiers: ClinVar variation 1039988 (VCV001039988.8), dbSNP rs763563264, ClinGen allele CA360311955.

ClinVar aggregate classification (germline): Uncertain significance (1 of 4 stars; one submission).

gnomAD v4.1: 2 of 1,614,010 alleles (0.00012%); highest among the groups gnomAD compares: South Asian, 0.0011%; no homozygotes.

Submission:

Labcorp Genetics (formerly Invitae), Labcorp
Classification: Uncertain significance. Last evaluated: 2025-11-10. Review status: criteria provided, single submitter. Criteria: Invitae Variant Classification Sherloc (09022015). Collection method: clinical testing. Allele origin: germline.
Comment: This sequence change replaces aspartic acid, which is acidic and polar, with glycine, which is neutral and non-polar, at codon 2055 of the VCAN protein (p.Asp2055Gly). This variant is not present in population databases (gnomAD no frequency). This missense change has been observed in individual(s) with VCAN-related conditions (internal data). ClinVar contains an entry for this variant (Variation ID: 1039988). An algorithm developed to predict the effect of missense changes on protein structure and function outputs the following: PolyPhen-2: "Benign". The glycine amino acid residue is found in multiple mammalian species, which suggests that this missense change does not adversely affect protein function. In summary, the available evidence is currently insufficient to determine the role of this variant in disease. Therefore, it has been classified as a Variant of Uncertain Significance.